The following is an entry in ClinVar:

ClinVar aggregate classification (germline): Uncertain significance (1 of 4 stars; one submission).

Submission:

Labcorp Genetics (formerly Invitae), Labcorp
Classification: Uncertain significance. Last evaluated: 2024-10-29. Review status: criteria provided, single submitter. Criteria: Invitae Variant Classification Sherloc (09022015). Collection method: clinical testing. Allele origin: germline.
Comment: This sequence change replaces glutamine, which is neutral and polar, with lysine, which is basic and polar, at codon 957 of the ADAMTS18 protein (p.Gln957Lys). This variant is not present in population databases (gnomAD no frequency). This variant has not been reported in the literature in individuals affected with ADAMTS18-related conditions. ClinVar contains an entry for this variant (Variation ID: 1061152). An algorithm developed to predict the effect of missense changes on protein structure and function (PolyPhen-2) suggests that this variant is likely to be tolerated. In summary, the available evidence is currently insufficient to determine the role of this variant in disease. Therefore, it has been classified as a Variant of Uncertain Significance.

NM_199355.4(ADAMTS18):c.2869C>A (p.Gln957Lys)

Gene: ADAMTS18 (ADAM metallopeptidase with thrombospondin type 1 motif 18; minus strand). Cytogenetic location: 16q23.1.
Variant type: single nucleotide variant.
Coding change: c.2869C>A on transcript NM_199355.4 (MANE Select); coding-DNA position 2869, C replaced by A.
Protein change: p.Gln957Lys; replaces glutamine 957 with lysine.
Molecular consequence: missense variant.
Genome position (GRCh38, 1-based): chr16:77,295,060, G>T on the plus strand (C>A on the coding strand, the complement: ADAMTS18 is on the minus strand). VCF-style: chr16-77295060-G-T. GRCh37 (hg19) VCF-style: chr16-77328957-G-T.
Other names: c.2353C>A, p.Gln785Lys (NM_001326358.2); short protein forms Q785K, Q957K.
Identifiers: ClinVar variation 1061152 (VCV001061152.9), dbSNP rs2144577629, ClinGen allele CA396833583.